The following is an entry in ClinVar:

NM_001127222.2(CACNA1A):c.3601AAG[1] (p.Lys1202del)

Gene: CACNA1A (calcium voltage-gated channel subunit alpha1 A; minus strand). Cytogenetic location: 19p13.13.
Variant type: Microsatellite.
Coding change: c.3601AAG[1] on transcript NM_001127222.2 (MANE Select); one copy of the 3-base unit AAG starting at c.3601; the reference has two copies in a row; one copy, 3 bases deleted.
Protein change: p.Lys1202del; deletes lysine 1202.
Molecular consequence: inframe deletion.
Genome position (GRCh38, 1-based): chr19:13,285,154-13,285,156, CTT deleted on the plus strand (AAG on the coding strand, the reverse complement: CACNA1A is on the minus strand); deleting any 3 consecutive bases within chr19:13,285,154-13,285,161 gives the same sequence; the position shown is the placement nearest the transcript's 3' end. VCF-style (leftmost placement, unchanged base first): chr19-13285153-CCTT-C. GRCh37 (hg19) VCF-style: chr19-13395967-CCTT-C.
Other names: c.3607_3609delAAG (NM_001127221.1); c.3613AAG[1], p.Lys1206del (NM_000068.4, NM_023035.3); c.3604AAG[1], p.Lys1203del (NM_001127221.2, NM_001174080.2); c.3616_3618del (NM_023035.3); short protein forms K1203del, K1202del, K1206del.
Identifiers: ClinVar variation 195573 (VCV000195573.52), dbSNP rs772989979, ClinGen allele CA201828.

ClinVar aggregate classification (germline): Benign/Likely benign. Review status: criteria provided, multiple submitters, no conflicts (2 of 4 stars). 8 submissions from 8 submitters: Benign (5); Likely benign (3). Last evaluated 2026-03-01.

Conditions:
Episodic ataxia type 2 (EA2). Also called: ACETAZOLAMIDE-RESPONSIVE HEREDITARY PAROXYSMAL CEREBELLAR ATAXIA; ATAXIA, EPISODIC, WITH NYSTAGMUS; ATAXIA, FAMILIAL PAROXYSMAL; CEREBELLAR ATAXIA, PAROXYSMAL, ACETAZOLAMIDE-RESPONSIVE; CEREBELLOPATHY, HEREDITARY PAROXYSMAL; EPISODIC ATAXIA, NYSTAGMUS-ASSOCIATED. Identifiers: Orphanet 97, MedGen C1720416, MONDO:0007163, OMIM 108500.
Developmental and epileptic encephalopathy, 42 (DEE42A). Also called: Epileptic encephalopathy, early infantile, 42; DEVELOPMENTAL AND EPILEPTIC ENCEPHALOPATHY 42A; EPILEPTIC ENCEPHALOPATHY, EARLY INFANTILE, 42A. Identifiers: MedGen C4310716, MONDO:0014917, OMIM 617106.
Spinocerebellar ataxia type 6 (SCA6). Identifiers: Orphanet 98758, MedGen C0752124, MONDO:0008457, OMIM 183086.
Migraine, familial hemiplegic, 1. Also called: MIGRAINE, FAMILIAL HEMIPLEGIC 1, WITH PROGRESSIVE CEREBELLAR ATAXIA. Identifiers: Orphanet 569, MedGen C1832884, MONDO:0020756, OMIM 141500, MONDO:0007714.
Inborn genetic diseases. Identifiers: MedGen C0950123, MeSH D030342.

Submissions (8):

CeGaT Center for Human Genetics Tuebingen
Classification: Likely benign. Last evaluated: 2026-03-01. Review status: criteria provided, single submitter. Criteria: CeGaT Center For Human Genetics Tuebingen Variant Classification Criteria Version 2. Collection method: clinical testing. Allele origin: germline. Affected: yes. Observed: 26 variant alleles.
Comment: CACNA1A: BS1

Labcorp Genetics (formerly Invitae), Labcorp
Classification: Benign for Developmental and epileptic encephalopathy, 42; Episodic ataxia type 2. Last evaluated: 2026-01-21. Review status: criteria provided, single submitter. Criteria: Invitae Variant Classification Sherloc (09022015). Collection method: clinical testing. Allele origin: germline.

Blueprint Genetics
Classification: Likely benign. Last evaluated: 2024-11-27. Review status: criteria provided, single submitter. Criteria: ACMG Guidelines, 2015. Collection method: clinical testing. Allele origin: germline.

Athena Diagnostics
Classification: Benign. Last evaluated: 2024-07-29. Review status: criteria provided, single submitter. Criteria: Athena Diagnostics Criteria. Collection method: clinical testing. Allele origin: unknown.

Fulgent Genetics
Classification: Likely benign for Episodic ataxia type 2; Migraine, familial hemiplegic, 1; Spinocerebellar ataxia type 6; Developmental and epileptic encephalopathy, 42. Last evaluated: 2022-03-30. Review status: criteria provided, single submitter. Criteria: ACMG Guidelines, 2015. Collection method: clinical testing. Allele origin: unknown.

Ambry Genetics
Classification: Benign for Inborn genetic diseases. Last evaluated: 2018-04-20. Review status: criteria provided, single submitter. Criteria: Ambry Variant Classification Scheme 2023. Collection method: clinical testing. Allele origin: germline.

GeneDx
Classification: Benign. Last evaluated: 2018-01-17. Review status: criteria provided, single submitter. Criteria: GeneDx Variant Classification (06012015). Collection method: clinical testing. Allele origin: germline. Affected: yes.
Comment: This variant is considered likely benign or benign based on one or more of the following criteria: it is a conservative change, it occurs at a poorly conserved position in the protein, it is predicted to be benign by multiple in silico algorithms, and/or has population frequency not consistent with disease.

Eurofins Ntd Llc (ga)
Classification: Benign. Last evaluated: 2015-02-23. Review status: criteria provided, single submitter. Criteria: EGL Classification Definitions 2015. Collection method: clinical testing. Allele origin: germline. Observed: 2 variant alleles, 2 heterozygotes.

Literature cited by the submitters: PubMed 25356899 (cited by Athena Diagnostics).